The following is an entry in ClinVar:

ClinVar aggregate classification (germline): Uncertain significance (1 of 4 stars; one submission).

Conditions:
Emery-Dreifuss muscular dystrophy (EDMD). Also called: Scapuloperoneal syndrome, X-linked (formerly); Humeroperoneal neuromuscular disease, (formerly). Identifiers: Orphanet 261, MedGen C0410189, MONDO:0016830.

Allele frequency attached by ClinVar (database versions not stated): gnomAD exomes 0.00002; ExAC 0.00003; gnomAD 0.00003 and 0.00004; TOPMed 0.00004.
gnomAD v4.1: 26 of 1,612,112 alleles (0.0016%); highest among the groups gnomAD compares: African/African-American, 0.012%; no homozygotes.

Submission:

Labcorp Genetics (formerly Invitae), Labcorp
Classification: Uncertain significance for Emery-Dreifuss muscular dystrophy. Last evaluated: 2025-06-02. Review status: criteria provided, single submitter. Criteria: Invitae Variant Classification Sherloc (09022015). Collection method: clinical testing. Allele origin: germline.
Comment: This sequence change replaces glycine, which is neutral and non-polar, with serine, which is neutral and polar, at codon 578 of the SUN2 protein (p.Gly578Ser). This variant is present in population databases (rs750800615, gnomAD 0.006%). This variant has not been reported in the literature in individuals affected with SUN2-related conditions. ClinVar contains an entry for this variant (Variation ID: 1432268). An algorithm developed to predict the effect of missense changes on protein structure and function (PolyPhen-2) suggests that this variant is likely to be disruptive. In summary, the available evidence is currently insufficient to determine the role of this variant in disease. Therefore, it has been classified as a Variant of Uncertain Significance.

NM_015374.3(SUN2):c.1732G>A (p.Gly578Ser)

Genes: GTPBP1 (GTP binding protein 1; plus strand), SUN2 (Sad1 and UNC84 domain containing 2; minus strand). Cytogenetic location: 22q13.1.
Variant type: single nucleotide variant.
Coding change: c.1732G>A on transcript NM_015374.3 (MANE Select); coding-DNA position 1732, G replaced by A.
Protein change: p.Gly578Ser; replaces glycine 578 with serine.
Molecular consequence: missense variant.
Genome position (GRCh38, 1-based): chr22:38,738,920, C>T on the plus strand (G>A on the coding strand, the complement: SUN2 is on the minus strand). VCF-style: chr22-38738920-C-T. GRCh37 (hg19) VCF-style: chr22-39134925-C-T.
Other names: c.1795G>A, p.Gly599Ser (NM_001199579.2, NM_001394428.1); c.1732G>A, p.Gly578Ser (NM_001199580.2, NM_001394431.1, NM_001394432.1 and 3 more transcripts); c.1825G>A, p.Gly609Ser (NM_001394427.1); c.1777G>A, p.Gly593Ser (NM_001394429.1, NM_001394430.1); c.1729G>A, p.Gly577Ser (NM_001394436.1, NM_001394437.1); c.1642G>A, p.Gly548Ser (NM_001394438.1); c.1594G>A, p.Gly532Ser (NM_001394439.1, NM_001394440.1, NM_001394441.1); c.1333G>A, p.Gly445Ser (NM_001394442.1); and 2 more; short protein forms G414S, G532S, G577S, G578S, G599S, G609S, G548S, G593S.
Identifiers: ClinVar variation 1432268 (VCV001432268.6), dbSNP rs750800615, ClinGen allele CA10235445.